The following is an entry in ClinVar:

NM_130384.3(ATRIP):c.88C>T (p.Pro30Ser)

Genes: ATRIP (ATR interacting protein; plus strand), ATRIP-TREX1 (ATRIP-TREX1 readthrough; plus strand), LOC129936703 (ATAC-STARR-seq lymphoblastoid silent region 14331; plus strand). Cytogenetic location: 3p21.31.
Variant type: single nucleotide variant.
Coding change: c.88C>T on transcript NM_130384.3 (MANE Select); coding-DNA position 88, C replaced by T.
Protein change: p.Pro30Ser; replaces proline 30 with serine.
Molecular consequence: missense variant. On other transcripts: non-coding transcript variant (1), intron variant (1).
Genome position (GRCh38, 1-based): chr3:48,446,933, C>T. VCF-style: chr3-48446933-C-T. GRCh37 (hg19) VCF-style: chr3-48488337-C-T.
Other names: c.88C>T (NM_130384.1); c.88C>T, p.Pro30Ser (NM_032166.4); c.-218+134C>T (NM_001271022.2); short protein forms P30S.
Identifiers: ClinVar variation 3678758 (VCV003678758.3).

ClinVar aggregate classification (germline): Uncertain significance. Review status: criteria provided, multiple submitters, no conflicts (2 of 4 stars). 2 submissions from 2 submitters: Uncertain significance (2). Last evaluated 2025-02-27.

gnomAD v4.1: 1 of 1,461,018 alleles (0.000068%); highest among the groups gnomAD compares: Admixed American, 0.0027%; no homozygotes.

Submissions (2):

Ambry Genetics
Classification: Uncertain significance. Last evaluated: 2025-02-27. Review status: criteria provided, single submitter. Criteria: Ambry Variant Classification Scheme 2023. Collection method: clinical testing. Allele origin: germline.
Comment: The p.P30S variant (also known as c.88C>T), located in coding exon 1 of the ATRIP gene, results from a C to T substitution at nucleotide position 88. The proline at codon 30 is replaced by serine, an amino acid with similar properties. This amino acid position is conserved. In addition, the in silico prediction for this alteration is inconclusive. Based on the available evidence, the clinical significance of this variant remains unclear.

Labcorp Genetics (formerly Invitae), Labcorp
Classification: Uncertain significance. Last evaluated: 2024-03-19. Review status: criteria provided, single submitter. Criteria: Invitae Variant Classification Sherloc (09022015). Collection method: clinical testing. Allele origin: germline.
Comment: This sequence change replaces proline, which is neutral and non-polar, with serine, which is neutral and polar, at codon 30 of the ATRIP protein (p.Pro30Ser). This variant is not present in population databases (gnomAD no frequency). This variant has not been reported in the literature in individuals affected with ATRIP-related conditions. An algorithm developed to predict the effect of missense changes on protein structure and function (PolyPhen-2) suggests that this variant is likely to be disruptive. In summary, the available evidence is currently insufficient to determine the role of this variant in disease. Therefore, it has been classified as a Variant of Uncertain Significance.